The following is an entry in ClinVar:

NM_032634.4(PIGO):c.2989C>T (p.Arg997Trp)

Gene: PIGO (phosphatidylinositol glycan anchor biosynthesis class O; minus strand). Cytogenetic location: 9p13.3.
Variant type: single nucleotide variant.
Coding change: c.2989C>T on transcript NM_032634.4 (MANE Select); coding-DNA position 2989, C replaced by T.
Protein change: p.Arg997Trp; replaces arginine 997 with tryptophan.
Molecular consequence: missense variant.
Genome position (GRCh38, 1-based): chr9:35,090,146, G>A on the plus strand (C>T on the coding strand, the complement: PIGO is on the minus strand). VCF-style: chr9-35090146-G-A. GRCh37 (hg19) VCF-style: chr9-35090143-G-A.
Other names: c.1738C>T, p.Arg580Trp (NM_152850.4, NM_001201484.2); short protein forms R580W, R997W.
Identifiers: ClinVar variation 1310184 (VCV001310184.6), dbSNP rs773926580, ClinGen allele CA5040284.

ClinVar aggregate classification (germline): Uncertain significance. Review status: criteria provided, multiple submitters, no conflicts (2 of 4 stars). 3 submissions from 3 submitters: Uncertain significance (3). Last evaluated 2025-11-26.

Conditions:
Inborn genetic diseases. Identifiers: MedGen C0950123, MeSH D030342.
Hyperphosphatasia with impaired intellectual development syndrome 2. Also called: GLYCOSYLPHOSPHATIDYLINOSITOL BIOSYNTHESIS DEFECT 6; Hyperphosphatasia with intellectual disability syndrome 2. Identifiers: Orphanet 247262, MedGen C3553637, MONDO:0013882, OMIM 614749.

Allele frequency attached by ClinVar (database versions not stated): gnomAD exomes 0.00003 and 0.00001; TOPMed 0.00002; gnomAD 0.00004 and 0.00003; ExAC 0.00002.

Submissions (3):

Ambry Genetics
Classification: Uncertain significance for Inborn genetic diseases. Last evaluated: 2025-11-26. Review status: criteria provided, single submitter. Criteria: Ambry Variant Classification Scheme 2023. Collection method: clinical testing. Allele origin: germline.

Labcorp Genetics (formerly Invitae), Labcorp
Classification: Uncertain significance for Hyperphosphatasia with impaired intellectual development syndrome 2. Last evaluated: 2021-12-17. Review status: criteria provided, single submitter. Criteria: Invitae Variant Classification Sherloc (09022015). Collection method: clinical testing. Allele origin: germline.
Comment: This sequence change replaces arginine, which is basic and polar, with tryptophan, which is neutral and slightly polar, at codon 997 of the PIGO protein (p.Arg997Trp). In summary, the available evidence is currently insufficient to determine the role of this variant in disease. Therefore, it has been classified as a Variant of Uncertain Significance. Algorithms developed to predict the effect of missense changes on protein structure and function are either unavailable or do not agree on the potential impact of this missense change (SIFT: "Deleterious"; PolyPhen-2: "Probably Damaging"; Align-GVGD: "Class C0"). ClinVar contains an entry for this variant (Variation ID: 1310184). This variant has not been reported in the literature in individuals affected with PIGO-related conditions. This variant is present in population databases (rs773926580, gnomAD 0.003%).

GeneDx
Classification: Uncertain significance. Last evaluated: 2019-11-11. Review status: criteria provided, single submitter. Criteria: GeneDx Variant Classification Process June 2021. Collection method: clinical testing. Allele origin: germline. Affected: yes.
Comment: Not observed at a significant frequency in large population cohorts (Lek et al., 2016); In silico analysis, which includes protein predictors and evolutionary conservation, supports a deleterious effect; Has not been previously published as pathogenic or benign to our knowledge